The following is an entry in ClinVar:

ClinVar aggregate classification (germline): Uncertain significance (1 of 4 stars; one submission).

gnomAD v4.1: 8 of 1,613,784 alleles (0.0005%); highest among the groups gnomAD compares: Non-Finnish European, 0.00068%; no homozygotes.

Submission:

GeneDx
Classification: Uncertain significance. Last evaluated: 2020-10-26. Review status: criteria provided, single submitter. Criteria: GeneDx Variant Classification Process June 2021. Collection method: clinical testing. Allele origin: germline. Affected: yes.
Comment: Not observed in large population cohorts (Lek et al., 2016); In silico analysis supports that this missense variant has a deleterious effect on protein structure/function; Has not been previously published as pathogenic or benign to our knowledge

NM_052867.4(NALCN):c.3272C>G (p.Ala1091Gly)

Gene: NALCN (sodium leak channel, non-selective; minus strand). Cytogenetic location: 13q32.3.
Variant type: single nucleotide variant.
Coding change: c.3272C>G on transcript NM_052867.4 (MANE Select); coding-DNA position 3272, C replaced by G.
Protein change: p.Ala1091Gly; replaces alanine 1091 with glycine.
Molecular consequence: missense variant.
Genome position (GRCh38, 1-based): chr13:101,089,964, G>C on the plus strand (C>G on the coding strand, the complement: NALCN is on the minus strand). VCF-style: chr13-101089964-G-C. GRCh37 (hg19) VCF-style: chr13-101742315-G-C.
Other names: c.3359C>G, p.Ala1120Gly (NM_001350748.2); c.3272C>G, p.Ala1091Gly (NM_001350749.2); c.3185C>G, p.Ala1062Gly (NM_001350750.2, NM_001350751.2); short protein forms A1062G, A1091G, A1120G.
Identifiers: ClinVar variation 1313441 (VCV001313441.2), dbSNP rs147053581, ClinGen allele CA388653312.